The following is an entry in ClinVar:

ClinVar aggregate classification (germline): Uncertain significance. Review status: criteria provided, multiple submitters, no conflicts (2 of 4 stars). 2 submissions from 2 submitters: Uncertain significance (2). Last evaluated 2023-07-30.

Conditions:
Inborn genetic diseases. Identifiers: MedGen C0950123, MeSH D030342.
Short-rib thoracic dysplasia 14 with polydactyly (SRTD14). Identifiers: Orphanet 397715, MedGen C4225286, MONDO:0014688, OMIM 616546.
Joubert syndrome 23 (JBTS23). Identifiers: Orphanet 475, MedGen C4084822, MONDO:0014664, OMIM 616490.

Allele frequency attached by ClinVar (database versions not stated): gnomAD 0.00001; gnomAD exomes 0.00001; TOPMed 0.00001; ExAC 0.00003; 1000 Genomes Project 30x 0.00016; 1000 Genomes Project 0.00020.
gnomAD v4.1: 16 of 1,613,626 alleles (0.00099%); highest among the groups gnomAD compares: South Asian, 0.015%; no homozygotes.

Submissions (2):

Ambry Genetics
Classification: Uncertain significance for Inborn genetic diseases. Last evaluated: 2023-07-30. Review status: criteria provided, single submitter. Criteria: Ambry Variant Classification Scheme 2023. Collection method: clinical testing. Allele origin: germline.

Labcorp Genetics (formerly Invitae), Labcorp
Classification: Uncertain significance for Joubert syndrome 23; Short-rib thoracic dysplasia 14 with polydactyly. Last evaluated: 2022-06-30. Review status: criteria provided, single submitter. Criteria: Invitae Variant Classification Sherloc (09022015). Collection method: clinical testing. Allele origin: germline.
Comment: This sequence change replaces proline, which is neutral and non-polar, with serine, which is neutral and polar, at codon 847 of the KIAA0586 protein (p.Pro847Ser). This variant is present in population databases (rs564913390, gnomAD 0.02%). This variant has not been reported in the literature in individuals affected with KIAA0586-related conditions. Algorithms developed to predict the effect of missense changes on protein structure and function are either unavailable or do not agree on the potential impact of this missense change (SIFT: "Deleterious"; PolyPhen-2: "Probably Damaging"; Align-GVGD: "Class C0"). In summary, the available evidence is currently insufficient to determine the role of this variant in disease. Therefore, it has been classified as a Variant of Uncertain Significance.

NM_001329943.3(KIAA0586):c.2380C>T (p.Pro794Ser)

Gene: KIAA0586 (KIAA0586; plus strand). Cytogenetic location: 14q23.1.
Variant type: single nucleotide variant.
Coding change: c.2380C>T on transcript NM_001329943.3 (MANE Select); coding-DNA position 2380, C replaced by T.
Protein change: p.Pro794Ser; replaces proline 794 with serine.
Molecular consequence: missense variant.
Genome position (GRCh38, 1-based): chr14:58,467,860, C>T. VCF-style: chr14-58467860-C-T. GRCh37 (hg19) VCF-style: chr14-58934578-C-T.
Other names: c.2539C>T, p.Pro847Ser (NM_001244189.2); c.2335C>T, p.Pro779Ser (NM_001244190.2); c.2125C>T, p.Pro709Ser (NM_001244191.2, NM_001329945.2, NM_001364700.1 and 1 more transcripts); c.2248C>T, p.Pro750Ser (NM_001244192.2); c.1960C>T, p.Pro654Ser (NM_001244193.2); c.2380C>T, p.Pro794Ser (NM_001329944.2, NM_001329946.2, NM_001329947.2); c.2152C>T, p.Pro718Ser (NM_014749.5); c.2152C>T (NM_014749.3); short protein forms P794S, P709S, P779S, P654S, P718S, P750S, P847S.
Identifiers: ClinVar variation 2185506 (VCV002185506.3), dbSNP rs564913390, ClinGen allele CA7205853.
Genomic context (GRCh38, chr14:58,467,860, plus strand): 5'-GTAACTGTGACTACTTCTATTCCTCCATCATCTCGAAAAGTAGAAACTGGAGTAAAGAAA[C>T]CTAACATAGCCATTGTAGAAATGAAGTCAGAAAAAAAGGATCCTCCTCAGCTTACTGTGC-3'
Protein context (NP_001316872.1, residues 784-804): SRKVETGVKK[Pro794Ser]NIAIVEMKSE